The following is an entry in ClinVar:

ClinVar aggregate classification (germline): Uncertain significance (1 of 4 stars; one submission).

Submission:

GeneDx
Classification: Uncertain significance. Last evaluated: 2025-07-23. Review status: criteria provided, single submitter. Criteria: GeneDx Variant Classification Process June 2021. Collection method: clinical testing. Allele origin: germline. Affected: yes.
Comment: Not observed at significant frequency in large population cohorts (gnomAD); Frameshift variant predicted to result in protein truncation or nonsense mediated decay in a gene or region of a gene for which loss of function is not a well-established mechanism of disease; Has not been previously published as pathogenic or benign to our knowledge

NM_000836.4(GRIN2D):c.1251_1261dup (p.Arg421fs)

Gene: GRIN2D (glutamate ionotropic receptor NMDA type subunit 2D; plus strand). Cytogenetic location: 19q13.33.
Variant type: Duplication.
Coding change: c.1251_1261dup on transcript NM_000836.4 (MANE Select); coding-DNA positions 1251 to 1261, 11 bases duplicated (CCGCTATGGTC).
Protein change: p.Arg421fs; shifts the reading frame from arginine 421.
Molecular consequence: frameshift variant.
Genome position (GRCh38, 1-based): chr19:48,414,423-48,414,433, CCGCTATGGTC duplicated; duplicating any 11 consecutive bases within chr19:48,414,418-48,414,433 gives the same sequence; the c. name uses the placement nearest the transcript's 3' end. VCF-style (leftmost placement, unchanged base first): chr19-48414417-G-GTGGTCCCGCTA. GRCh37 (hg19) VCF-style: chr19-48917674-G-GTGGTCCCGCTA.
Other names: short protein forms R421fs.
Identifiers: ClinVar variation 4686990 (VCV004686990.1).